The following is an entry in ClinVar:

ClinVar aggregate classification (germline): Uncertain significance (1 of 4 stars; one submission).

Conditions:
Glycine encephalopathy. Also called: Nonketotic hyperglycinemia; Non-ketotic hyperglycinemia. Identifiers: Orphanet 407, MedGen C0751748, MONDO:0011612, HP:0008288.

Submission:

Labcorp Genetics (formerly Invitae), Labcorp
Classification: Uncertain significance for Glycine encephalopathy. Last evaluated: 2022-03-12. Review status: criteria provided, single submitter. Criteria: Invitae Variant Classification Sherloc (09022015). Collection method: clinical testing. Allele origin: germline.
Comment: In summary, the available evidence is currently insufficient to determine the role of this variant in disease. Therefore, it has been classified as a Variant of Uncertain Significance. This variant is not present in population databases (gnomAD no frequency). This sequence change replaces alanine, which is neutral and non-polar, with serine, which is neutral and polar, at codon 194 of the GLDC protein (p.Ala194Ser). Algorithms developed to predict the effect of missense changes on protein structure and function are either unavailable or do not agree on the potential impact of this missense change (SIFT: "Deleterious"; PolyPhen-2: "Probably Damaging"; Align-GVGD: "Class C0"). This variant has not been reported in the literature in individuals affected with GLDC-related conditions.

NM_000170.3(GLDC):c.580G>T (p.Ala194Ser)

Gene: GLDC (glycine decarboxylase; minus strand). Cytogenetic location: 9p24.1.
Variant type: single nucleotide variant.
Coding change: c.580G>T on transcript NM_000170.3 (MANE Select); coding-DNA position 580, G replaced by T.
Protein change: p.Ala194Ser; replaces alanine 194 with serine.
Molecular consequence: missense variant.
Genome position (GRCh38, 1-based): chr9:6,610,247, C>A on the plus strand (G>T on the coding strand, the complement: GLDC is on the minus strand). VCF-style: chr9-6610247-C-A. GRCh37 (hg19) VCF-style: chr9-6610247-C-A.
Other names: short protein forms A194S.
Identifiers: ClinVar variation 2110337 (VCV002110337.4), dbSNP rs201696681, ClinGen allele CA372898297.